The following is an entry in ClinVar:

NM_001134363.3(RBM20):c.3635G>A (p.Arg1212Lys)

Gene: RBM20 (RNA binding motif protein 20; plus strand). Cytogenetic location: 10q25.2.
Variant type: single nucleotide variant.
Coding change: c.3635G>A on transcript NM_001134363.3 (MANE Select); coding-DNA position 3635, G replaced by A.
Protein change: p.Arg1212Lys; replaces arginine 1212 with lysine.
Molecular consequence: missense variant.
Genome position (GRCh38, 1-based): chr10:110,835,929, G>A. VCF-style: chr10-110835929-G-A. GRCh37 (hg19) VCF-style: chr10-112595687-G-A.
Other names: short protein forms R1212K.
Identifiers: ClinVar variation 3701998 (VCV003701998.2).

ClinVar aggregate classification (germline): Uncertain significance (1 of 4 stars; one submission).

Conditions:
Dilated cardiomyopathy 1DD (CMD1DD). Identifiers: Orphanet 154, MedGen C2750995, MONDO:0013168, OMIM 613172.

Submission:

Labcorp Genetics (formerly Invitae), Labcorp
Classification: Uncertain significance for Dilated cardiomyopathy 1DD. Last evaluated: 2024-04-29. Review status: criteria provided, single submitter. Criteria: Invitae Variant Classification Sherloc (09022015). Collection method: clinical testing. Allele origin: germline.
Comment: This sequence change replaces arginine, which is basic and polar, with lysine, which is basic and polar, at codon 1212 of the RBM20 protein (p.Arg1212Lys). This variant is not present in population databases (gnomAD no frequency). This variant has not been reported in the literature in individuals affected with RBM20-related conditions. Advanced modeling of protein sequence and biophysical properties (such as structural, functional, and spatial information, amino acid conservation, physicochemical variation, residue mobility, and thermodynamic stability) performed at Invitae indicates that this missense variant is not expected to disrupt RBM20 protein function with a negative predictive value of 95%. In summary, the available evidence is currently insufficient to determine the role of this variant in disease. Therefore, it has been classified as a Variant of Uncertain Significance.